The following is an entry in ClinVar:

NM_021254.4(CFAP298):c.27C>T (p.Gly9=)

Genes: CFAP298 (cilia and flagella associated protein 298; minus strand), CFAP298-TCP10L (CFAP298-TCP10L readthrough; minus strand). Cytogenetic location: 21q22.11.
Variant type: single nucleotide variant.
Coding change: c.27C>T on transcript NM_021254.4 (MANE Select); coding-DNA position 27, C replaced by T.
Protein change: p.Gly9=; no amino-acid change (glycine 9 retained).
Molecular consequence: synonymous variant. On other transcripts: non-coding transcript variant (2), 5 prime UTR variant (1).
Genome position (GRCh38, 1-based): chr21:32,612,217, G>A on the plus strand (C>T on the coding strand, the complement: CFAP298 is on the minus strand). VCF-style: chr21-32612217-G-A. GRCh37 (hg19) VCF-style: chr21-33984527-G-A.
Other names: c.27C>T, p.Gly9= (NM_001350338.2, NM_001350335.2, NM_001350336.2 and 1 more transcripts); c.-203C>T (NM_001350334.2).
Identifiers: ClinVar variation 525396 (VCV000525396.11), dbSNP rs763881106, ClinGen allele CA10002996.

ClinVar aggregate classification (germline): Uncertain significance (1 of 4 stars; one submission).

Allele frequency attached by ClinVar (database versions not stated): gnomAD exomes 0.00001 and 0.00003; ExAC 0.00006.
gnomAD v4.1: 12 of 1,606,592 alleles (0.00075%); highest among the groups gnomAD compares: Non-Finnish European, 0.001%; no homozygotes.

Submission:

Labcorp Genetics (formerly Invitae), Labcorp
Classification: Uncertain significance. Last evaluated: 2017-12-04. Review status: criteria provided, single submitter. Criteria: Invitae Variant Classification Sherloc (09022015). Collection method: clinical testing. Allele origin: germline.
Comment: In summary, the available evidence is currently insufficient to determine the role of this variant in disease. Therefore, it has been classified as a Variant of Uncertain Significance. Algorithms developed to predict the effect of sequence changes on RNA splicing suggest that this variant may create or strengthen a splice site, but this prediction has not been confirmed by published transcriptional studies. This variant has not been reported in the literature in individuals with C21orf59-related disease. This variant is present in population databases (rs763881106, ExAC 0.01%). This sequence change affects codon 9 of the C21orf59 mRNA. It is a 'silent' change, meaning that it does not change the encoded amino acid sequence of the C21orf59 protein.